The following is an entry in ClinVar:

ClinVar aggregate classification (germline): Uncertain significance (1 of 4 stars; one submission).

Conditions:
Familial thoracic aortic aneurysm and aortic dissection (TAAD). Also called: Thoracic aortic aneurysms and dissections. Identifiers: Orphanet 91387, MedGen C4707243, MONDO:0019625.

Submission:

Ambry Genetics
Classification: Uncertain significance for Familial thoracic aortic aneurysm and aortic dissection. Last evaluated: 2026-04-04. Review status: criteria provided, single submitter. Criteria: Ambry Variant Classification Scheme 2023. Collection method: clinical testing. Allele origin: germline.
Comment: The p.T841R variant (also known as c.2522C>G), located in coding exon 20 of the FBN1 gene, results from a C to G substitution at nucleotide position 2522. The threonine at codon 841 is replaced by arginine, an amino acid with similar properties. This amino acid position is conserved. In addition, the in silico prediction for this alteration is inconclusive. Based on the available evidence, the clinical significance of this variant remains unclear.

NM_000138.5(FBN1):c.2522C>G (p.Thr841Arg)

Gene: FBN1 (fibrillin 1; minus strand). Cytogenetic location: 15q21.1.
Variant type: single nucleotide variant.
Coding change: c.2522C>G on transcript NM_000138.5 (MANE Select); coding-DNA position 2522, C replaced by G.
Protein change: p.Thr841Arg; replaces threonine 841 with arginine.
Molecular consequence: missense variant.
Genome position (GRCh38, 1-based): chr15:48,495,486, G>C on the plus strand (C>G on the coding strand, the complement: FBN1 is on the minus strand). VCF-style: chr15-48495486-G-C. GRCh37 (hg19) VCF-style: chr15-48787683-G-C.
Other names: c.2522C>G, p.Thr841Arg (NM_001406716.1); short protein forms T841R.
Identifiers: ClinVar variation 4871224 (VCV004871224.1).